The following is an entry in ClinVar:

ClinVar aggregate classification (germline): Uncertain significance (1 of 4 stars; one submission).

Conditions:
BAP1-related tumor predisposition syndrome (TPDS1). Also called: BAP1 tumor predisposition syndrome; TUMOR PREDISPOSITION SYNDROME 1; Tumor susceptibility linked to germline BAP1 mutations; COMMON Syndrome. Identifiers: Orphanet 289539, MedGen C3280492, MONDO:0013692, OMIM 614327.

Submission:

Labcorp Genetics (formerly Invitae), Labcorp
Classification: Uncertain significance for BAP1-related tumor predisposition syndrome. Last evaluated: 2022-08-23. Review status: criteria provided, single submitter. Criteria: Invitae Variant Classification Sherloc (09022015). Collection method: clinical testing. Allele origin: germline.
Comment: This sequence change replaces proline, which is neutral and non-polar, with arginine, which is basic and polar, at codon 390 of the BAP1 protein (p.Pro390Arg). This variant is not present in population databases (gnomAD no frequency). This variant has not been reported in the literature in individuals affected with BAP1-related conditions. Algorithms developed to predict the effect of missense changes on protein structure and function (SIFT, PolyPhen-2, Align-GVGD) all suggest that this variant is likely to be tolerated. In summary, the available evidence is currently insufficient to determine the role of this variant in disease. Therefore, it has been classified as a Variant of Uncertain Significance.

NM_004656.4(BAP1):c.1169C>G (p.Pro390Arg)

Gene: BAP1 (BRCA1 associated deubiquitinase 1; minus strand). Cytogenetic location: 3p21.1.
Variant type: single nucleotide variant.
Coding change: c.1169C>G on transcript NM_004656.4 (MANE Select); coding-DNA position 1169, C replaced by G.
Protein change: p.Pro390Arg; replaces proline 390 with arginine.
Molecular consequence: missense variant.
Genome position (GRCh38, 1-based): chr3:52,404,534, G>C on the plus strand (C>G on the coding strand, the complement: BAP1 is on the minus strand). VCF-style: chr3-52404534-G-C. GRCh37 (hg19) VCF-style: chr3-52438550-G-C.
Other names: c.1115C>G, p.Pro372Arg (NM_001410772.1); short protein forms P372R, P390R.
Identifiers: ClinVar variation 1717841 (VCV001717841.6), dbSNP rs2153226869, ClinGen allele CA353103239.
Genomic context (GRCh38, chr3:52,404,534, plus strand): 5'-TGCACGTCATCCTCCTCGTCATCCTCATAGTCATCCTCATCATCTGAGTACTGCTGGGGT[G>C]GGCGGACTGGAACTCGGCTGCGGCCCACACCTGCCGCCAGGTCTTCTTCCTCCTGGGACA-3'
Protein context (NP_004647.1, residues 380-400): GVGRSRVPVR[Pro390Arg]PQQYSDDEDD